The following is an entry in ClinVar:

ClinVar aggregate classification (germline): Pathogenic. Review status: criteria provided, multiple submitters, no conflicts (2 of 4 stars). 4 submissions from 4 submitters: Pathogenic (3). 1 of the submissions does not count toward it. Last evaluated 2021-11-28.

Conditions:
Tuberous sclerosis 2 (TSC2). Identifiers: Orphanet 805, MedGen C1860707, MONDO:0013199, OMIM 613254.
Hereditary cancer-predisposing syndrome. Also called: Neoplastic Syndromes, Hereditary; Tumor predisposition; Hereditary Cancer Syndrome; Hereditary neoplastic syndrome. Identifiers: Orphanet 140162, MedGen C0027672, MeSH D009386, MONDO:0015356.
Tuberous sclerosis syndrome (TSC). Also called: Tuberous Sclerosis Complex; Tuberous sclerosis. Identifiers: Orphanet 805, MedGen C0041341, MONDO:0001734.

Submissions (4):

Labcorp Genetics (formerly Invitae), Labcorp
Classification: Pathogenic for Tuberous sclerosis 2. Last evaluated: 2021-11-28. Review status: criteria provided, single submitter. Criteria: Invitae Variant Classification Sherloc (09022015). Collection method: clinical testing. Allele origin: germline.
Comment: This variant has not been reported in the literature in individuals affected with TSC2-related conditions. This variant is not present in population databases (gnomAD no frequency). This sequence change creates a premature translational stop signal (p.Val118Glyfs*8) in the TSC2 gene. It is expected to result in an absent or disrupted protein product. Loss-of-function variants in TSC2 are known to be pathogenic (PMID: 10205261, 17304050). ClinVar contains an entry for this variant (Variation ID: 49262). For these reasons, this variant has been classified as Pathogenic.

Ambry Genetics
Classification: Pathogenic for Hereditary cancer-predisposing syndrome. Last evaluated: 2020-12-03. Review status: criteria provided, single submitter. Criteria: Ambry Variant Classification Scheme 2023. Collection method: clinical testing. Allele origin: germline.
Comment: The c.352dupG pathogenic mutation, located in coding exon 4 of the TSC2 gene, results from a duplication of G at nucleotide position 352, causing a translational frameshift with a predicted alternate stop codon (p.V118Gfs*8). This alteration is expected to result in loss of function by premature protein truncation or nonsense-mediated mRNA decay. As such, this alteration is interpreted as a disease-causing mutation.

GeneDx
Classification: Pathogenic. Last evaluated: 2014-12-16. Review status: criteria provided, single submitter. Criteria: GeneDx Variant Classification (06012015). Collection method: clinical testing. Allele origin: germline. Affected: yes.
Comment: c.352dupG: p.Val118GlyfsX8 (V118GfsX8) in exon 5 of the TSC2 gene (NM_000548.3) The normal sequence with the base that is duplicated in braces is: TGGGG{G}TCCTThe c.352dupG mutation in the TSC2 gene causes a frameshift starting with codon Valine 118, changes this amino acid to a Glycine residue and creates a premature Stop codon at position 8 of the new reading frame, denoted p.Val118GlyfsX8. This mutation is predicted to cause loss of normal protein function either through protein truncation or nonsense-mediated mRNA decay. Although this mutation has not been previously reported to our knowledge, other frameshift mutations have been reported in the TSC2 gene in association with tuberous sclerosis (TSC2 LOVD). The variant is found in TUBSC-EPIV2-1 panel(s).

Tuberous sclerosis database (TSC2)
No classification provided. Condition: TSC. Review status: no classification provided. Criteria: Tuberous Sclerosis Database Assertion Criteria 2015. Collection method: curation. Allele origin: germline. Affected: yes. Not counted in ClinVar's aggregate classification.

Literature cited by the submitters: PubMed 10205261 (cited by Labcorp Genetics (formerly Invitae), Labcorp); PubMed 17304050 (cited by Labcorp Genetics (formerly Invitae), Labcorp).

NM_000548.5(TSC2):c.352dup (p.Val118fs)

Gene: TSC2 (TSC complex subunit 2; plus strand). Cytogenetic location: 16p13.3.
Variant type: Duplication.
Coding change: c.352dup on transcript NM_000548.5 (MANE Select); coding-DNA position 352, one base duplicated (G; older notation c.352dupG).
Protein change: p.Val118fs; shifts the reading frame from valine 118.
Molecular consequence: frameshift variant. On other transcripts: intron variant (1).
Genome position (GRCh38, 1-based): chr16:2,054,311, G duplicated; the last of 5 consecutive G bases (chr16:2,054,307-2,054,311); duplicating any one gives the same sequence. VCF-style (leftmost placement, unchanged base first): chr16-2054306-T-TG. GRCh37 (hg19) VCF-style: chr16-2104307-T-TG.
Other names: c.352dup, p.Val118fs (NM_001077183.3, NM_001114382.3, NM_001363528.2 and 3 more transcripts); c.241dup, p.Val81fs (NM_001318827.2); c.205dup, p.Val69fs (NM_001318829.2); c.385dup, p.Val129fs (NM_001318832.2); c.-1-1885dup (NM_001318831.2); short protein forms V81fs, V69fs, V129fs, V118fs.
Identifiers: ClinVar variation 49262 (VCV000049262.10), dbSNP rs137853982, ClinGen allele CA019247.
Genomic context (GRCh38, chr16:2,054,306, plus strand): 5'-GTGTGGGCGACGCTGGCAGGCTCTGCTGATCCTGTGGCTTTTGTCTTTAGGGCGAGCGTT[T>TG]GGGGGTCCTCAGAGCCCTCTTCTTTAAGGTCATCAAGGATTACCCTTCCAACGAAGACCT-3'